The following is an entry in ClinVar:

NM_002386.4(MC1R):c.685C>T (p.Arg229Cys)

Gene: MC1R (melanocortin 1 receptor; plus strand). Cytogenetic location: 16q24.3.
Variant type: single nucleotide variant.
Coding change: c.685C>T on transcript NM_002386.4 (MANE Select); coding-DNA position 685, C replaced by T.
Protein change: p.Arg229Cys; replaces arginine 229 with cysteine.
Molecular consequence: missense variant.
Genome position (GRCh38, 1-based): chr16:89,919,943, C>T. VCF-style: chr16-89919943-C-T. GRCh37 (hg19) VCF-style: chr16-89986351-C-T.
Other names: short protein forms R229C.
Identifiers: ClinVar variation 3871064 (VCV003871064.1).

ClinVar aggregate classification (germline): Uncertain significance (1 of 4 stars; one submission).

Submission:

Ambry Genetics
Classification: Uncertain significance. Last evaluated: 2024-12-16. Review status: criteria provided, single submitter. Criteria: Ambry Variant Classification Scheme 2023. Collection method: clinical testing. Allele origin: germline.
Comment: The p.R229C variant (also known as c.685C>T), located in coding exon 1 of the MC1R gene, results from a C to T substitution at nucleotide position 685. The arginine at codon 229 is replaced by cysteine, an amino acid with highly dissimilar properties. This amino acid position is conserved. In addition, this alteration is predicted to be tolerated by in silico analysis. Based on the available evidence, the clinical significance of this variant remains unclear.